The following is an entry in ClinVar:

NM_033026.6(PCLO):c.6799T>C (p.Ser2267Pro)

Gene: PCLO (piccolo presynaptic cytomatrix protein; minus strand). Cytogenetic location: 7q21.11.
Variant type: single nucleotide variant.
Coding change: c.6799T>C on transcript NM_033026.6 (MANE Select); coding-DNA position 6799, T replaced by C.
Protein change: p.Ser2267Pro; replaces serine 2267 with proline.
Molecular consequence: missense variant.
Genome position (GRCh38, 1-based): chr7:82,954,154, A>G on the plus strand (T>C on the coding strand, the complement: PCLO is on the minus strand). VCF-style: chr7-82954154-A-G. GRCh37 (hg19) VCF-style: chr7-82583470-A-G.
Other names: c.6799T>C, p.Ser2267Pro (NM_014510.3); short protein forms S2267P.
Identifiers: ClinVar variation 1472493 (VCV001472493.6), dbSNP rs968726698, ClinGen allele CA367918323.

ClinVar aggregate classification (germline): Uncertain significance (1 of 4 stars; one submission).

Submission:

Labcorp Genetics (formerly Invitae), Labcorp
Classification: Uncertain significance. Last evaluated: 2024-12-02. Review status: criteria provided, single submitter. Criteria: Invitae Variant Classification Sherloc (09022015). Collection method: clinical testing. Allele origin: germline.
Comment: This sequence change replaces serine, which is neutral and polar, with proline, which is neutral and non-polar, at codon 2267 of the PCLO protein (p.Ser2267Pro). This variant is not present in population databases (gnomAD no frequency). This variant has not been reported in the literature in individuals affected with PCLO-related conditions. ClinVar contains an entry for this variant (Variation ID: 1472493). An algorithm developed to predict the effect of missense changes on protein structure and function outputs the following: PolyPhen-2: "Not Available". The proline amino acid residue is found in multiple mammalian species, which suggests that this missense change does not adversely affect protein function. In summary, the available evidence is currently insufficient to determine the role of this variant in disease. Therefore, it has been classified as a Variant of Uncertain Significance.